The following is an entry in ClinVar:

NM_002691.4(POLD1):c.1502A>G (p.Asn501Ser)

Gene: POLD1 (DNA polymerase delta 1, catalytic subunit; plus strand). Cytogenetic location: 19q13.33.
Variant type: single nucleotide variant.
Coding change: c.1502A>G on transcript NM_002691.4 (MANE Select); coding-DNA position 1502, A replaced by G.
Protein change: p.Asn501Ser; replaces asparagine 501 with serine.
Molecular consequence: missense variant. On other transcripts: non-coding transcript variant (1).
Genome position (GRCh38, 1-based): chr19:50,406,990, A>G. VCF-style: chr19-50406990-A-G. GRCh37 (hg19) VCF-style: chr19-50910247-A-G.
Other names: c.1502A>G, p.Asn501Ser (NM_001256849.1, NM_001308632.1, NM_001438210.1 and 3 more transcripts); short protein forms N501S.
Identifiers: ClinVar variation 4140990 (VCV004140990.1).
Genomic context (GRCh38, chr19:50,406,990, plus strand): 5'-CCACCTCCCACCCCCAACCCCTGGTCCCTGACCCCATCCGTGCCCATCCCCAGAATGGGA[A>G]CGACCAGACCCGCCGCCGCCTGGCTGTGTACTGCCTGAAGGATGCCTACCTGCCACTGCG-3'
Protein context (NP_002682.2, residues 491-511): HSIITDLQNG[Asn501Ser]DQTRRRLAVY

ClinVar aggregate classification (germline): Uncertain significance (1 of 4 stars; one submission).

Conditions:
Hereditary cancer-predisposing syndrome. Also called: Hereditary neoplastic syndrome; Neoplastic Syndromes, Hereditary; Tumor predisposition; Hereditary Cancer Syndrome. Identifiers: Orphanet 140162, MedGen C0027672, MeSH D009386, MONDO:0015356.

Submission:

Ambry Genetics
Classification: Uncertain significance for Hereditary cancer-predisposing syndrome. Last evaluated: 2025-06-25. Review status: criteria provided, single submitter. Criteria: Ambry Variant Classification Scheme 2023. Collection method: clinical testing. Allele origin: germline.
Comment: The p.N501S variant (also known as c.1502A>G), located in coding exon 12 of the POLD1 gene, results from an A to G substitution at nucleotide position 1502. The asparagine at codon 501 is replaced by serine, an amino acid with highly similar properties. This amino acid position is conserved. In addition, this alteration is predicted to be tolerated by in silico analysis. Based on the available evidence, the clinical significance of this variant remains unclear.